The following is an entry in ClinVar:

ClinVar aggregate classification (germline): Uncertain significance (1 of 4 stars; one submission).

Conditions:
Hereditary cancer-predisposing syndrome. Also called: Tumor predisposition; Neoplastic Syndromes, Hereditary; Hereditary Cancer Syndrome; Hereditary neoplastic syndrome. Identifiers: Orphanet 140162, MedGen C0027672, MeSH D009386, MONDO:0015356.

Submission:

Ambry Genetics
Classification: Uncertain significance for Hereditary cancer-predisposing syndrome. Last evaluated: 2024-12-09. Review status: criteria provided, single submitter. Criteria: Ambry Variant Classification Scheme 2023. Collection method: clinical testing. Allele origin: germline.
Comment: The c.1750_1751delAAinsCT variant (also known as p.K584L), located in coding exon 9 of the DICER1 gene, results from an in-frame deletion of AA and insertion of CT at nucleotide positions 1750 to 1751. This results in the substitution of the lysine residue for a leucine residue at codon 584, an amino acid with dissimilar properties. This amino acid position is highly conserved in available vertebrate species. In addition, the in silico prediction for this alteration is inconclusive (Choi Y et al. PLoS ONE. 2012; 7(10):e46688). Based on the available evidence, the clinical significance of this variant remains unclear.

NM_177438.3(DICER1):c.1750_1751delinsCT (p.Lys584Leu)

Gene: DICER1 (dicer 1, ribonuclease III; minus strand). Cytogenetic location: 14q32.13.
Variant type: Indel.
Coding change: c.1750_1751delinsCT on transcript NM_177438.3 (MANE Select); coding-DNA positions 1750 to 1751, AA replaced by CT.
Protein change: p.Lys584Leu; replaces lysine 584 with leucine.
Molecular consequence: missense variant. On other transcripts: non-coding transcript variant (6).
Genome position (GRCh38, 1-based): chr14:95,116,454-95,116,455, TT replaced by AG on the plus strand (AA replaced by CT on the coding strand, the reverse complement: DICER1 is on the minus strand). VCF-style: chr14-95116454-TT-AG. GRCh37 (hg19) VCF-style: chr14-95582791-TT-AG.
Other names: c.1750_1751delinsCT, p.Lys584Leu (NM_001195573.1, NM_001271282.3, NM_001291628.2 and 12 more transcripts); c.1468_1469delinsCT, p.Lys490Leu (NM_001395686.1); c.1345_1346delinsCT, p.Lys449Leu (NM_001395687.1, NM_001395688.1, NM_001395689.1 and 3 more transcripts); c.1183_1184delinsCT, p.Lys395Leu (NM_001395691.1); c.67_68delinsCT, p.Lys23Leu (NM_001395697.1); short protein forms K584L, K23L, K449L, K490L, K395L.
Identifiers: ClinVar variation 3501957 (VCV003501957.1).